The following is an entry in ClinVar:

NM_004366.6(CLCN2):c.208G>A (p.Ala70Thr)

Gene: CLCN2 (chloride voltage-gated channel 2; minus strand). Cytogenetic location: 3q27.1.
Variant type: single nucleotide variant.
Coding change: c.208G>A on transcript NM_004366.6 (MANE Select); coding-DNA position 208, G replaced by A.
Protein change: p.Ala70Thr; replaces alanine 70 with threonine.
Molecular consequence: missense variant.
Genome position (GRCh38, 1-based): chr3:184,358,987, C>T on the plus strand (G>A on the coding strand, the complement: CLCN2 is on the minus strand). VCF-style: chr3-184358987-C-T. GRCh37 (hg19) VCF-style: chr3-184076775-C-T.
Other names: c.208G>A, p.Ala70Thr (NM_001171087.3, NM_001171088.3, NM_001171089.3); c.208G>A (NM_004366.4); short protein forms A70T.
Identifiers: ClinVar variation 3339506 (VCV003339506.2).

ClinVar aggregate classification (germline): Uncertain significance. Review status: criteria provided, multiple submitters, no conflicts (2 of 4 stars). 2 submissions from 2 submitters: Uncertain significance (2). Last evaluated 2024-07-26.

Conditions:
Inborn genetic diseases. Identifiers: MedGen C0950123, MeSH D030342.

gnomAD v4.1: 31 of 1,613,434 alleles (0.0019%); highest among the groups gnomAD compares: Admixed American, 0.0083%; no homozygotes.

Submissions (2):

Ambry Genetics
Classification: Uncertain significance for Inborn genetic diseases. Last evaluated: 2024-07-26. Review status: criteria provided, single submitter. Criteria: Ambry Variant Classification Scheme 2023. Collection method: clinical testing. Allele origin: germline.

Women's Health and Genetics/Laboratory Corporation of America, LabCorp
Classification: Uncertain significance. Last evaluated: 2024-07-15. Review status: criteria provided, single submitter. Criteria: LabCorp Variant Classification Summary - May 2015. Collection method: clinical testing. Allele origin: germline.
Comment: Variant summary: CLCN2 c.208G>A (p.Ala70Thr) results in a non-conservative amino acid change in the encoded protein sequence. Three of five in-silico tools predict a benign effect of the variant on protein function. The variant allele was found at a frequency of 4e-05 in 250556 control chromosomes. This frequency is not significantly higher than estimated for a pathogenic variant in CLCN2 causing CLCN2-Related Disorders, allowing no conclusion about variant significance. To our knowledge, no occurrence of c.208G>A in individuals affected with CLCN2-Related Disorders and no experimental evidence demonstrating its impact on protein function have been reported. No submitters have cited clinical-significance assessments for this variant to ClinVar. Based on the evidence outlined above, the variant was classified as uncertain significance.